The following is an entry in ClinVar:

NM_005677.4(COLQ):c.176C>A (p.Pro59Gln)

Gene: COLQ (collagen like tail subunit of asymmetric acetylcholinesterase; minus strand). Cytogenetic location: 3p25.1.
Variant type: single nucleotide variant.
Coding change: c.176C>A on transcript NM_005677.4 (MANE Select); coding-DNA position 176, C replaced by A.
Protein change: p.Pro59Gln; replaces proline 59 with glutamine.
Molecular consequence: missense variant.
Genome position (GRCh38, 1-based): chr3:15,489,568, G>T on the plus strand (C>A on the coding strand, the complement: COLQ is on the minus strand). VCF-style: chr3-15489568-G-T. GRCh37 (hg19) VCF-style: chr3-15531075-G-T.
Other names: c.146C>A, p.Pro49Gln (NM_080538.2); c.176C>A, p.Pro59Gln (NM_080539.4); short protein forms P59Q, P49Q.
Identifiers: ClinVar variation 2203311 (VCV002203311.4), dbSNP rs2470923715, ClinGen allele CA351601490.

ClinVar aggregate classification (germline): Pathogenic (1 of 4 stars; one submission).

Conditions:
Congenital myasthenic syndrome 5. Identifiers: Orphanet 590, MedGen C1864233, MONDO:0011281, OMIM 603034.

Submission:

Labcorp Genetics (formerly Invitae), Labcorp
Classification: Pathogenic for Congenital myasthenic syndrome 5. Last evaluated: 2025-05-27. Review status: criteria provided, single submitter. Criteria: Invitae Variant Classification Sherloc (09022015). Collection method: clinical testing. Allele origin: germline.
Comment: This sequence change replaces proline, which is neutral and non-polar, with glutamine, which is neutral and polar, at codon 59 of the COLQ protein (p.Pro59Gln). This variant is not present in population databases (gnomAD no frequency). This missense change has been observed in individuals with congenital myasthenic syndrome (PMID: 10665486; internal data). It has also been observed to segregate with disease in related individuals. ClinVar contains an entry for this variant (Variation ID: 2203311). Invitae Evidence Modeling of protein sequence and biophysical properties (such as structural, functional, and spatial information, amino acid conservation, physicochemical variation, residue mobility, and thermodynamic stability) has been performed for this missense variant. However, the output from this modeling did not meet the statistical confidence thresholds required to predict the impact of this variant on COLQ protein function. Experimental studies have shown that this missense change affects COLQ function (PMID: 10665486). This variant disrupts the p.Pro59 amino acid residue in COLQ. Other variant(s) that disrupt this residue have been observed in individuals with COLQ-related conditions (PMID: 22088788), which suggests that this may be a clinically significant amino acid residue. For these reasons, this variant has been classified as Pathogenic.

Literature cited by the submitters: PubMed 10665486; PubMed 22088788.